The following is an entry in ClinVar:

NM_000090.4(COL3A1):c.1576A>G (p.Arg526Gly)

Gene: COL3A1 (collagen type III alpha 1 chain; plus strand). Cytogenetic location: 2q32.2.
Variant type: single nucleotide variant.
Coding change: c.1576A>G on transcript NM_000090.4 (MANE Select); coding-DNA position 1576, A replaced by G.
Protein change: p.Arg526Gly; replaces arginine 526 with glycine.
Molecular consequence: missense variant.
Genome position (GRCh38, 1-based): chr2:188,995,758, A>G. VCF-style: chr2-188995758-A-G. GRCh37 (hg19) VCF-style: chr2-189860484-A-G.
Other names: short protein forms R526G.
Identifiers: ClinVar variation 4843317 (VCV004843317.1).
Genomic context (GRCh38, chr2:188,995,758, plus strand): 5'-GCTGGAGAGCGTGGTGCTCCAGGCCCTGCAGGGCCCAGAGGAGCTGCTGGAGAACCTGGC[A>G]GAGATGGCGTCCCTGGAGGTCCAGGAATGAGGGTACAGAGAAACATTTGTTTGAATGACA-3'
Protein context (NP_000081.2, residues 516-536): GPRGAAGEPG[Arg526Gly]DGVPGGPGMR

ClinVar aggregate classification (germline): Uncertain significance (1 of 4 stars; one submission).

Conditions:
Familial thoracic aortic aneurysm and aortic dissection (TAAD). Also called: Thoracic aortic aneurysms and dissections. Identifiers: Orphanet 91387, MedGen C4707243, MONDO:0019625.

Submission:

Ambry Genetics
Classification: Uncertain significance for Familial thoracic aortic aneurysm and aortic dissection. Last evaluated: 2025-12-16. Review status: criteria provided, single submitter. Criteria: Ambry Variant Classification Scheme 2023. Collection method: clinical testing. Allele origin: germline.
Comment: The p.R526G variant (also known as c.1576A>G), located in coding exon 22 of the COL3A1 gene, results from an A to G substitution at nucleotide position 1576. The arginine at codon 526 is replaced by glycine, an amino acid with dissimilar properties. This amino acid position is conserved. In addition, the in silico prediction for this alteration is inconclusive. Based on the available evidence, the clinical significance of this variant remains unclear.